The following is an entry in ClinVar:

NM_005359.6(SMAD4):c.1311C>G (p.Val437=)

Gene: SMAD4 (SMAD family member 4; plus strand). Cytogenetic location: 18q21.2.
Variant type: single nucleotide variant.
Coding change: c.1311C>G on transcript NM_005359.6 (MANE Select); coding-DNA position 1311, C replaced by G.
Protein change: p.Val437=; no amino-acid change (valine 437 retained).
Molecular consequence: synonymous variant.
Genome position (GRCh38, 1-based): chr18:51,076,640, C>G. VCF-style: chr18-51076640-C-G. GRCh37 (hg19) VCF-style: chr18-48603010-C-G.
Identifiers: ClinVar variation 413434 (VCV000413434.42), dbSNP rs751539807, ClinGen allele CA8966054.
Genomic context (GRCh38, chr18:51,076,640, plus strand): 5'-TTTAATGTATGGAATTTTTCTTTATGAACTCATAGTATGAAATGTTTTTTCTTAAAAGGT[C>G]TTTGATTTGCGTCAGTGTCATCGACAGATGCAGCAGCAGGCGGCTACTGCACAAGCTGCA-3'
Protein context (NP_005350.1, residues 427-447): HKIYPSAYIK[Val437=]FDLRQCHRQM

ClinVar aggregate classification (germline): Benign/Likely benign. Review status: criteria provided, multiple submitters, no conflicts (2 of 4 stars). 8 submissions from 8 submitters: Benign (1); Likely benign (7). Last evaluated 2025-10-13.

Conditions:
Familial thoracic aortic aneurysm and aortic dissection (TAAD). Also called: Thoracic aortic aneurysms and dissections. Identifiers: Orphanet 91387, MedGen C4707243, MONDO:0019625.
Hereditary cancer-predisposing syndrome. Also called: Tumor predisposition; Hereditary neoplastic syndrome; Hereditary Cancer Syndrome; Neoplastic Syndromes, Hereditary. Identifiers: Orphanet 140162, MedGen C0027672, MeSH D009386, MONDO:0015356.
Juvenile polyposis syndrome (JPS). Identifiers: Orphanet 2929, MedGen C0345893, MONDO:0017380, OMIM 174900.
Juvenile polyposis/hereditary hemorrhagic telangiectasia syndrome (JPHT). Also called: JP/HHT SYNDROME; JUVENILE POLYPOSIS WITH HEREDITARY HEMORRHAGIC TELANGIECTASIA; POLYPOSIS, GENERALIZED JUVENILE, WITH PULMONARY ARTERIOVENOUS MALFORMATION; TELANGIECTASIA, HEREDITARY HEMORRHAGIC, WITH JUVENILE POLYPOSIS COLI; Juvenile Polyposis Syndrome / Hereditary Hemorrhagic Telangiectasia (JPS/HHT). Identifiers: Orphanet 2929, MedGen C1832942, MONDO:0008278, OMIM 175050.

Allele frequency attached by ClinVar (database versions not stated): gnomAD exomes below 0.00001; TOPMed below 0.00001; ExAC 0.00001.
gnomAD v4.1: 4 of 1,613,580 alleles (0.00025%); highest among the groups gnomAD compares: Non-Finnish European, 0.00025%; no homozygotes.

Submissions (8):

Labcorp Genetics (formerly Invitae), Labcorp
Classification: Likely benign for Juvenile polyposis syndrome. Last evaluated: 2025-10-13. Review status: criteria provided, single submitter. Criteria: Invitae Variant Classification Sherloc (09022015). Collection method: clinical testing. Allele origin: germline.

Myriad Genetics, Inc.
Classification: Benign for Juvenile polyposis/hereditary hemorrhagic telangiectasia syndrome. Last evaluated: 2025-03-21. Review status: criteria provided, single submitter. Criteria: Myriad Autosomal Dominant, Autosomal Recessive and X-Linked Classification Criteria (2023). Collection method: clinical testing. Allele origin: unknown.
Comment: This variant is considered benign. This variant is a silent/synonymous amino acid change and it is not expected to impact splicing.

ARUP Laboratories, Molecular Genetics and Genomics, ARUP Laboratories
Classification: Likely benign. Last evaluated: 2024-03-25. Review status: criteria provided, single submitter. Criteria: ARUP Molecular Germline Variant Investigation Process 2024. Collection method: clinical testing. Allele origin: germline.

All of Us Research Program, National Institutes of Health
Classification: Likely benign for Juvenile polyposis/hereditary hemorrhagic telangiectasia syndrome. Last evaluated: 2023-12-13. Review status: criteria provided, single submitter. Criteria: ACMG Guidelines, 2015. Collection method: clinical testing. Allele origin: germline. Inheritance: Autosomal dominant inheritance. Observed: 2 variant alleles, 2 heterozygotes.
Comment: This study involves interpretation of variants in research participants for the purpose of population health screening. Participant phenotype was not available at the time of variant classification. Additional details can be found in publication PMID: 35346344, PMCID: PMC8962531

CeGaT Center for Human Genetics Tuebingen
Classification: Likely benign. Last evaluated: 2022-05-01. Review status: criteria provided, single submitter. Criteria: CeGaT Center For Human Genetics Tuebingen Variant Classification Criteria Version 2. Collection method: clinical testing. Allele origin: germline. Affected: yes. Observed: 1 variant allele.
Comment: SMAD4: BP4

Ambry Genetics
Classification: Likely benign for Hereditary cancer-predisposing syndrome; Familial thoracic aortic aneurysm and aortic dissection. Last evaluated: 2021-02-18. Review status: criteria provided, single submitter. Criteria: Ambry Variant Classification Scheme 2023. Collection method: clinical testing. Allele origin: germline.

Color Diagnostics, LLC DBA Color Health
Classification: Likely benign for Hereditary cancer-predisposing syndrome. Last evaluated: 2017-12-18. Review status: criteria provided, single submitter. Criteria: ACMG Guidelines, 2015. Collection method: clinical testing. Allele origin: germline.

GeneDx
Classification: Likely benign. Last evaluated: 2017-06-01. Review status: criteria provided, single submitter. Criteria: GeneDx Variant Classification (06012015). Collection method: clinical testing. Allele origin: germline. Affected: yes.
Comment: This variant is considered likely benign or benign based on one or more of the following criteria: it is a conservative change, it occurs at a poorly conserved position in the protein, it is predicted to be benign by multiple in silico algorithms, and/or has population frequency not consistent with disease.